The following is an entry in ClinVar:

NM_031407.7(HUWE1):c.12067C>T (p.Arg4023Cys)

Gene: HUWE1 (HECT, UBA and WWE domain containing E3 ubiquitin protein ligase 1; minus strand). Cytogenetic location: Xp11.22.
Variant type: single nucleotide variant.
Coding change: c.12067C>T on transcript NM_031407.7 (MANE Select); coding-DNA position 12067, C replaced by T.
Protein change: p.Arg4023Cys; replaces arginine 4023 with cysteine.
Molecular consequence: missense variant.
Genome position (GRCh38, 1-based): chrX:53,537,626, G>A on the plus strand (C>T on the coding strand, the complement: HUWE1 is on the minus strand). VCF-style: chrX-53537626-G-A. GRCh37 (hg19) VCF-style: chrX-53564587-G-A.
Other names: short protein forms R4023C.
Identifiers: ClinVar variation 375718 (VCV000375718.39), dbSNP rs1556914274, ClinGen allele CA413155445.
Genomic context (GRCh38, chrX:53,537,626, plus strand): 5'-TCATTTCTTCGGGGGATTTGCGATGCAGCTCACGATAGGAGTCTTCAAACACATGGTCAC[G>A]ACGGACATGCACAGCCATGTCTTCTTTCCGGAGCCCCTCATCTAAACGCTCCAGCTCTTG-3'
Protein context (NP_113584.3, residues 4013-4033): RKEDMAVHVR[Arg4023Cys]DHVFEDSYRE

ClinVar aggregate classification (germline): Conflicting classifications of pathogenicity. Review status: criteria provided, conflicting classifications (1 of 4 stars). 6 submissions from 6 submitters: Likely pathogenic (4); Uncertain significance (1). 1 of the submissions does not count toward it. Last evaluated 2026-01-08.

Conditions:
Inborn genetic diseases. Identifiers: MedGen C0950123, MeSH D030342.
Intellectual developmental disorder, X-linked, syndromic, Turner type. Also called: Intellectual disability, X-linked syndromic, Turner type; X-linked intellectual disability, Turner type. Identifiers: Orphanet 3056, Orphanet 85328, MedGen C2678046, MONDO:0010407, OMIM 309590.

Submissions (6):

GeneDx
Classification: Likely pathogenic. Last evaluated: 2026-01-08. Review status: criteria provided, single submitter. Criteria: GeneDx Variant Classification Process June 2021. Collection method: clinical testing. Allele origin: germline. Affected: yes.
Comment: Not observed at significant frequency in large population cohorts (gnomAD); In silico analysis supports that this missense variant has a deleterious effect on protein structure/function; This variant is associated with the following publications: (PMID: 29180823, 36111624, 36307859, 31957018, 36353900, 16700052)

CeGaT Center for Human Genetics Tuebingen
Classification: Likely pathogenic. Last evaluated: 2023-03-01. Review status: criteria provided, single submitter. Criteria: CeGaT Center For Human Genetics Tuebingen Variant Classification Criteria Version 2. Collection method: clinical testing. Allele origin: germline. Affected: yes. Observed: 2 variant alleles.
Comment: HUWE1: PM2, PS4:Moderate, PP2, PP3, PP4

HudsonAlpha Institute for Biotechnology
Classification: Likely pathogenic for Intellectual developmental disorder, X-linked, syndromic, Turner type. Last evaluated: 2019-03-29. Review status: criteria provided, single submitter. Criteria: ACMG Guidelines, 2015. Collection method: research. Allele origin: maternal. Affected: yes. Observed: 1 variant allele. Study: HudsonAlpha-AGHI-WGS.

Center for Medical Genetics and Molecular Medicine, Haukeland University Hospital
Classification: Likely pathogenic for Intellectual developmental disorder, X-linked, syndromic, Turner type. Last evaluated: 2017-01-18. Review status: criteria provided, single submitter. Criteria: ACMG Guidelines, 2015. Collection method: clinical testing. Allele origin: maternal. Inheritance: X-linked inheritance. Affected: no. Observed: 2 variant alleles.
Comment: ACMG evidence: PS(1), PM(1), PP(2)

Ambry Genetics
Classification: Uncertain significance for Inborn genetic diseases. Last evaluated: 2016-06-27. Review status: criteria provided, single submitter. Criteria: Ambry Variant Classification Scheme 2023. Collection method: clinical testing. Allele origin: germline.
Comment: The p.R4023C variant (also known as c.12067C>T), located in coding exon 75 of the HUWE1 gene, results from a C to T substitution at nucleotide position 12067. The arginine at codon 4023 is replaced by cysteine, an amino acid with highly dissimilar properties. This variant was not reported in population based cohorts in the following databases: Database of Single Nucleotide Polymorphisms (dbSNP), NHLBI Exome Sequencing Project (ESP), and 1000 Genomes Project. In the ESP, this variant was not observed in 6503 samples with coverage at this position. This amino acid position is highly conserved in available vertebrate species. In addition, this alteration is predicted to be deleterious by in silico analysis. Since supporting evidence is limited at this time, the clinical significance of this alteration remains unclear.

OMIM
Classification: Pathogenic for INTELLECTUAL DEVELOPMENTAL DISORDER, X-LINKED, SYNDROMIC, TURNER TYPE. Last evaluated: 2006-06-15. Review status: no assertion criteria provided. Collection method: literature only. Allele origin: germline. Not counted in ClinVar's aggregate classification.

Literature cited by the submitters: PubMed 16700052 (cited by OMIM); PubMed 29180823 (cited by OMIM).